The following is an entry in ClinVar:

ClinVar aggregate classification (germline): Pathogenic (1 of 4 stars; one submission).

Conditions:
Finnish congenital nephrotic syndrome (NPHS1). Also called: NEPHROTIC SYNDROME, TYPE 1. Identifiers: Orphanet 839, MedGen C0403399, MONDO:0009732, OMIM 256300.

Submission:

Laboratory for Molecular Medicine, Mass General Brigham Personalized Medicine
Classification: Pathogenic for Finnish congenital nephrotic syndrome. Last evaluated: 2019-01-29. Review status: criteria provided, single submitter. Criteria: ACMG Guidelines, 2015. Collection method: clinical testing. Allele origin: germline. Inheritance: Autosomal recessive inheritance.
Comment: The p.Gly616ArgfsX52 variant in PLCE1 has not been previously reported in individuals with nephrotic syndrome and was absent from large population studies. This variant is predicted to cause a frameshift, which alters the protein’s amino acid sequence beginning at position 616 and leads to a premature termination codon 52 amino acids downstream. This alteration is then predicted to lead to a truncated or absent protein. Complete loss of PLCE1 function is an established disease mechanism in nephrotic syndrome. In summary, this variant meets our criteria to be classified as pathogenic for nephrotic syndrome in an autosomal recessive manner based upon the predicted impact of the variant.

NM_016341.4(PLCE1):c.1845dup (p.Gly616fs)

Gene: PLCE1 (phospholipase C epsilon 1; plus strand). Cytogenetic location: 10q23.33.
Variant type: Duplication.
Coding change: c.1845dup on transcript NM_016341.4 (MANE Select); coding-DNA position 1845, one base duplicated (A; older notation c.1845dupA).
Protein change: p.Gly616fs; shifts the reading frame from glycine 616.
Molecular consequence: frameshift variant.
Genome position (GRCh38, 1-based): chr10:94,227,341, A duplicated. VCF-style (leftmost placement, unchanged base first): chr10-94227340-C-CA. GRCh37 (hg19) VCF-style: chr10-95987097-C-CA.
Other names: c.921dup, p.Gly308fs (NM_001165979.2); c.1845dup, p.Gly616fs (NM_001288989.2); short protein forms G308fs, G616fs.
Identifiers: ClinVar variation 3076006 (VCV003076006.1), dbSNP rs2495460804, ClinGen allele CA2825001734.